The following is an entry in ClinVar:

ClinVar aggregate classification (germline): Uncertain significance (1 of 4 stars; one submission).

Conditions:
Curry-Hall syndrome (WAD). Also called: WEYERS ACRODENTAL DYSOSTOSIS. Identifiers: Orphanet 952, MedGen C0457013, MONDO:0008673, OMIM 193530.
Ellis-van Creveld syndrome (EVC). Also called: Chondroectodermal dysplasia; MESOECTODERMAL DYSPLASIA; EVC-Related Ellis-van Creveld Syndrome; EVC2-Related Ellis-van Creveld Syndrome. Identifiers: Orphanet 289, MedGen C0013903, MONDO:0009162, OMIM 225500.

Allele frequency attached by ClinVar (database versions not stated): ExAC 0.00001; TOPMed 0.00001; gnomAD 0.00002; 1000 Genomes Project 30x 0.00016; 1000 Genomes Project 0.00020.
gnomAD v4.1: 15 of 1,614,114 alleles (0.00093%); highest among the groups gnomAD compares: East Asian, 0.0067%; no homozygotes.

Submission:

Labcorp Genetics (formerly Invitae), Labcorp
Classification: Uncertain significance for Curry-Hall syndrome; Ellis-van Creveld syndrome. Last evaluated: 2022-05-11. Review status: criteria provided, single submitter. Criteria: Invitae Variant Classification Sherloc (09022015). Collection method: clinical testing. Allele origin: germline.
Comment: This sequence change replaces arginine, which is basic and polar, with tryptophan, which is neutral and slightly polar, at codon 826 of the EVC protein (p.Arg826Trp). This variant is present in population databases (rs369800853, gnomAD 0.01%). This variant has not been reported in the literature in individuals affected with EVC-related conditions. Algorithms developed to predict the effect of missense changes on protein structure and function output the following: SIFT: "Tolerated"; PolyPhen-2: "Possibly Damaging"; Align-GVGD: "Class C0". The tryptophan amino acid residue is found in multiple mammalian species, which suggests that this missense change does not adversely affect protein function. In summary, the available evidence is currently insufficient to determine the role of this variant in disease. Therefore, it has been classified as a Variant of Uncertain Significance.

NM_153717.3(EVC):c.2476C>T (p.Arg826Trp)

Gene: EVC (EvC ciliary complex subunit 1; plus strand). Cytogenetic location: 4p16.2.
Variant type: single nucleotide variant.
Coding change: c.2476C>T on transcript NM_153717.3 (MANE Select); coding-DNA position 2476, C replaced by T.
Protein change: p.Arg826Trp; replaces arginine 826 with tryptophan.
Molecular consequence: missense variant.
Genome position (GRCh38, 1-based): chr4:5,804,756, C>T. VCF-style: chr4-5804756-C-T. GRCh37 (hg19) VCF-style: chr4-5806483-C-T.
Other names: c.2476C>T, p.Arg826Trp (NM_001306090.2); short protein forms R826W.
Identifiers: ClinVar variation 2065039 (VCV002065039.1), dbSNP rs369800853, ClinGen allele CA2836544.